The following is an entry in ClinVar:

NM_003098.3(SNTA1):c.133G>A (p.Ala45Thr)

Genes: SNTA1 (syntrophin alpha 1; minus strand), LOC130065680 (ATAC-STARR-seq lymphoblastoid silent region 12812; plus strand). Cytogenetic location: 20q11.21.
Variant type: single nucleotide variant.
Coding change: c.133G>A on transcript NM_003098.3 (MANE Select); coding-DNA position 133, G replaced by A.
Protein change: p.Ala45Thr; replaces alanine 45 with threonine.
Molecular consequence: missense variant.
Genome position (GRCh38, 1-based): chr20:33,443,488, C>T on the plus strand (G>A on the coding strand, the complement: SNTA1 is on the minus strand). VCF-style: chr20-33443488-C-T. GRCh37 (hg19) VCF-style: chr20-32031294-C-T.
Other names: short protein forms A45T.
Identifiers: ClinVar variation 1770323 (VCV001770323.2), dbSNP rs1990632849, ClinGen allele CA408634432.

ClinVar aggregate classification (germline): Uncertain significance (1 of 4 stars; one submission).

Conditions:
Cardiovascular phenotype. Identifiers: MedGen CN230736.

Allele frequency attached by ClinVar (database versions not stated): gnomAD exomes below 0.00001.
gnomAD v4.1: 1 of 1,376,948 alleles (0.000073%); highest among the groups gnomAD compares: Middle Eastern, 0.027%; no homozygotes.

Submission:

Ambry Genetics
Classification: Uncertain significance for Cardiovascular phenotype. Last evaluated: 2022-05-09. Review status: criteria provided, single submitter. Criteria: Ambry Variant Classification Scheme 2023. Collection method: clinical testing. Allele origin: germline.
Comment: The p.A45T variant (also known as c.133G>A), located in coding exon 1 of the SNTA1 gene, results from a G to A substitution at nucleotide position 133. The alanine at codon 45 is replaced by threonine, an amino acid with similar properties. This amino acid position is conserved. In addition, this alteration is predicted to be tolerated by in silico analysis. Since supporting evidence is limited at this time, the clinical significance of this alteration remains unclear.